The following is an entry in ClinVar:

NM_005336.6(HDLBP):c.2198G>A (p.Arg733His)

Genes: ANO7 (anoctamin 7; plus strand), HDLBP (high density lipoprotein binding protein; minus strand). Cytogenetic location: 2q37.3.
Variant type: single nucleotide variant.
Coding change: c.2198G>A on transcript NM_005336.6 (MANE Select); coding-DNA position 2198, G replaced by A.
Protein change: p.Arg733His; replaces arginine 733 with histidine.
Molecular consequence: missense variant.
Genome position (GRCh38, 1-based): chr2:241,240,094, C>T on the plus strand (G>A on the coding strand, the complement: HDLBP is on the minus strand). VCF-style: chr2-241240094-C-T. GRCh37 (hg19) VCF-style: chr2-242179509-C-T.
Other names: c.2099G>A, p.Arg700His (NM_001243900.3); c.2198G>A, p.Arg733His (NM_001320965.3, NM_001320966.3, NM_001320967.3 and 1 more transcripts); c.2198G>A (NM_001320966.1); short protein forms R700H, R733H.
Identifiers: ClinVar variation 729125 (VCV000729125.7), dbSNP rs115571292, ClinGen allele CA2216417.

ClinVar aggregate classification (germline): Benign. Review status: criteria provided, multiple submitters, no conflicts (2 of 4 stars). 3 submissions from 3 submitters: Benign (2). 1 of the submissions does not count toward it. Last evaluated 2019-12-31.

Conditions:
HDLBP-related disorder. Also called: HDLBP-related condition.

Allele frequency attached by ClinVar (database versions not stated): gnomAD exomes 0.00064 and 0.00162; ExAC 0.00198; gnomAD 0.00624 and 0.00680; 1000 Genomes Project 0.00659; TOPMed 0.00697; 1000 Genomes Project 30x 0.00718; ESP Exome Variant Server 0.00730.
gnomAD v4.1: 1,925 of 1,614,160 alleles (0.12%); highest among the groups gnomAD compares: African/African-American, 2.2%; 16 homozygotes.

Submissions (3):

Labcorp Genetics (formerly Invitae), Labcorp
Classification: Benign. Last evaluated: 2019-12-31. Review status: criteria provided, single submitter. Criteria: Invitae Variant Classification Sherloc (09022015). Collection method: clinical testing. Allele origin: germline.

Breakthrough Genomics
Classification: Benign. Review status: criteria provided, single submitter. Criteria: ACMG Guidelines, 2015. Collection method: not provided. Allele origin: germline. Inheritance: Unknown mechanism. Affected: yes.

PreventionGenetics, part of Exact Sciences
Classification: Benign for HDLBP-related condition. Last evaluated: 2019-04-25. Review status: no assertion criteria provided. Collection method: clinical testing. Allele origin: germline. Not counted in ClinVar's aggregate classification.
Comment: This variant is classified as benign based on ACMG/AMP sequence variant interpretation guidelines (Richards et al. 2015 PMID: 25741868, with internal and published modifications).